The following is an entry in ClinVar:

ClinVar aggregate classification (germline): Uncertain significance (1 of 4 stars; one submission).

Conditions:
KBG syndrome (KBGS). Also called: ANKRD11-Related KBG Syndrome. Identifiers: Orphanet 2332, MedGen C0220687, MONDO:0007846, OMIM 148050.

Submission:

Department of Medical Genetics, National Institute of Health
Classification: Uncertain significance for KBG syndrome. Review status: criteria provided, single submitter. Criteria: ACMG Guidelines, 2015. Collection method: clinical testing. Allele origin: maternal. Inheritance: Autosomal dominant inheritance. Affected: yes. Observed: 1 hemizygote.
Comment: This variant has not been previously reported and was not found in 138 Moroccan Clinical Exomes on our house database. It is classified as Likely begnin according to ACMG classification.

NM_013275.6(ANKRD11):c.2127A>C (p.Glu709Asp)

Gene: ANKRD11 (ankyrin repeat domain 11; minus strand). Cytogenetic location: 16q24.3.
Variant type: single nucleotide variant.
Coding change: c.2127A>C on transcript NM_013275.6 (MANE Select); coding-DNA position 2127, A replaced by C.
Protein change: p.Glu709Asp; replaces glutamic acid 709 with aspartic acid.
Molecular consequence: missense variant.
Genome position (GRCh38, 1-based): chr16:89,284,415, T>G on the plus strand (A>C on the coding strand, the complement: ANKRD11 is on the minus strand). VCF-style: chr16-89284415-T-G. GRCh37 (hg19) VCF-style: chr16-89350823-T-G.
Other names: c.2127A>C, p.Glu709Asp (NM_001256182.2, NM_001256183.2); short protein forms E709D.
Identifiers: ClinVar variation 2574043 (VCV002574043.2), dbSNP rs1471961287, ClinGen allele CA397163128.
Genomic context (GRCh38, chr16:89,284,415, plus strand): 5'-GCTGATGTCTTTGTTTGTGTCTTTGATTCTCTTCAGTGATTTTTCATCTTTAAAGAGCCA[T>G]TCTTTTTCTTCTAATTTCATTTTGCTAAGTTTCTCTTCTTTTTTAAAGTGGTCGCGATCG-3'
Protein context (NP_037407.4, residues 699-719): KLSKMKLEEK[Glu709Asp]WLFKDEKSLK